The following is an entry in ClinVar:

ClinVar aggregate classification (germline): Uncertain significance (1 of 4 stars; one submission).

Conditions:
Combined deficiency of sialidase AND beta galactosidase (GSL). Also called: CATHEPSIN A DEFICIENCY; GOLDBERG SYNDROME; NEURAMINIDASE DEFICIENCY WITH BETA-GALACTOSIDASE DEFICIENCY; NEURAMINIDASE/BETA-GALACTOSIDASE EXPRESSION; PPCA DEFICIENCY; PROTECTIVE PROTEIN/CATHEPSIN A DEFICIENCY. Identifiers: Orphanet 351, MedGen C0268233, MONDO:0009737, OMIM 256540.

Submission:

3billion
Classification: Uncertain significance for Combined deficiency of sialidase AND beta galactosidase. Last evaluated: 2025-02-27. Review status: criteria provided, single submitter. Criteria: ACMG Guidelines, 2015. Collection method: clinical testing. Allele origin: germline. Affected: yes.
Comment: The variant is not observed in the gnomAD v4.1.0 dataset. Predicted Consequence/Location: Missense variant. The majority of the known disease-causing variants of this gene are variants expected to result in premature termination of the protein. In silico tool predictions suggest damaging effect of the variant on gene or gene product [REVEL: 0.95 (>=0.6, sensitivity 0.68 and specificity 0.92)]. Therefore, this variant is classified as VUS according to the recommendation of ACMG/AMP guideline.

NM_000308.4(CTSA):c.1142A>G (p.Tyr381Cys)

Gene: CTSA (cathepsin A; plus strand). Cytogenetic location: 20q13.12.
Variant type: single nucleotide variant.
Coding change: c.1142A>G on transcript NM_000308.4 (MANE Select); coding-DNA position 1142, A replaced by G.
Protein change: p.Tyr381Cys; replaces tyrosine 381 with cysteine.
Molecular consequence: missense variant. On other transcripts: non-coding transcript variant (1).
Genome position (GRCh38, 1-based): chr20:45,897,018, A>G. VCF-style: chr20-45897018-A-G. GRCh37 (hg19) VCF-style: chr20-44525657-A-G.
Other names: c.1142A>G, p.Tyr381Cys (NM_001127695.3); c.1091A>G, p.Tyr364Cys (NM_001167594.3); short protein forms Y364C, Y381C.
Identifiers: ClinVar variation 4293005 (VCV004293005.1).